The following is an entry in ClinVar:

NM_000350.3(ABCA4):c.6480-1G>C

Gene: ABCA4 (ATP binding cassette subfamily A member 4; minus strand). Cytogenetic location: 1p22.1.
Variant type: single nucleotide variant.
Coding change: c.6480-1G>C on transcript NM_000350.3 (MANE Select); the canonical splice acceptor site of the intron before coding-DNA position 6480, G replaced by C.
Molecular consequence: splice acceptor variant.
Genome position (GRCh38, 1-based): chr1:93,998,111, C>G on the plus strand (G>C on the coding strand, the complement: ABCA4 is on the minus strand). VCF-style: chr1-93998111-C-G. GRCh37 (hg19) VCF-style: chr1-94463667-C-G.
Identifiers: ClinVar variation 1460404 (VCV001460404.9), dbSNP rs2100988422, ClinGen allele CA341276761.

ClinVar aggregate classification (germline): Pathogenic/Likely pathogenic. Review status: criteria provided, multiple submitters, no conflicts (2 of 4 stars). 2 submissions from 2 submitters: Pathogenic (1); Likely pathogenic (1). Last evaluated 2022-02-28.

Conditions:
ABCA4-related disorder. Also called: ABCA4-related disorders; ABCA4-related condition. Identifiers: MedGen CN239167.

Allele frequency attached by ClinVar (database versions not stated): gnomAD exomes below 0.00001.
gnomAD v4.1: 1 of 1,614,150 alleles (0.000062%); highest among the groups gnomAD compares: Non-Finnish European, 0.000085%; no homozygotes.

Submissions (2):

Blueprint Genetics
Classification: Likely pathogenic for ABCA4-related disorders. Last evaluated: 2022-02-28. Review status: criteria provided, single submitter. Criteria: ACMG Guidelines, 2015. Collection method: clinical testing. Allele origin: germline. Affected: yes. Observed: 2 variant alleles.

Labcorp Genetics (formerly Invitae), Labcorp
Classification: Pathogenic. Last evaluated: 2020-11-14. Review status: criteria provided, single submitter. Criteria: Invitae Variant Classification Sherloc (09022015). Collection method: clinical testing. Allele origin: germline.
Comment: This sequence change affects an acceptor splice site in intron 47 of the ABCA4 gene. It is expected to disrupt RNA splicing. Variants that disrupt the donor or acceptor splice site typically lead to a loss of protein function (PMID: 16199547), and loss-of-function variants in ABCA4 are known to be pathogenic (PMID: 10958761, 24938718, 25312043, 26780318). This variant is not present in population databases (ExAC no frequency). Disruption of this splice site has been observed in individual(s) with Stargardt disease (PMID: 26780318). In at least one individual the data is consistent with the variant being in trans (on the opposite chromosome) from a pathogenic variant. Algorithms developed to predict the effect of sequence changes on RNA splicing suggest that this variant may disrupt the consensus splice site, but this prediction has not been confirmed by published transcriptional studies. For these reasons, this variant has been classified as Pathogenic.

Literature cited by the submitters: PubMed 16199547 (cited by Labcorp Genetics (formerly Invitae), Labcorp); PubMed 10958761 (cited by Labcorp Genetics (formerly Invitae), Labcorp); PubMed 24938718 (cited by Labcorp Genetics (formerly Invitae), Labcorp); PubMed 25312043 (cited by Labcorp Genetics (formerly Invitae), Labcorp); PubMed 26780318 (cited by Labcorp Genetics (formerly Invitae), Labcorp).